The following is an entry in ClinVar:

ClinVar aggregate classification (germline): Benign. Review status: criteria provided, multiple submitters, no conflicts (2 of 4 stars). 2 submissions from 2 submitters: Benign (2). Last evaluated 2018-01-12.

Conditions:
Hereditary pheochromocytoma and paraganglioma. Also called: Hereditary Paraganglioma-Pheochromocytoma Syndromes; Hereditary paragangliomas and pheochromocytomas; Hereditary pheochromocytoma-paraganglioma. Identifiers: Orphanet 29072, MedGen C4274332, MONDO:0017366.

Allele frequency attached by ClinVar (database versions not stated): gnomAD exomes 0.00290; gnomAD 0.02482 and 0.02676; TOPMed 0.02825; 1000 Genomes Project 0.02855; 1000 Genomes Project 30x 0.02904.
gnomAD v4.1: 4,966 of 521,292 alleles (0.95%); highest among the groups gnomAD compares: African/African-American, 8.3%; 207 homozygotes.

Submissions (2):

Illumina Laboratory Services, Illumina
Classification: Benign for Hereditary Paraganglioma-Pheochromocytoma Syndromes. Last evaluated: 2018-01-12. Review status: criteria provided, single submitter. Criteria: ICSL Variant Classification Criteria 13 December 2019. Collection method: clinical testing. Allele origin: germline.
Comment: This variant was observed in the ICSL laboratory as part of a predisposition screen in an ostensibly healthy population. It had not been previously curated by ICSL or reported in the Human Gene Mutation Database (HGMD: prior to June 1st, 2018), and was therefore a candidate for classification through an automated scoring system. Utilizing variant allele frequency, disease prevalence and penetrance estimates, and inheritance mode, an automated score was calculated to assess if this variant is too frequent to cause the disease. Based on the score and internal cut-off values, a variant classified as benign is not then subjected to further curation. The score for this variant resulted in a classification of benign for this disease.

Breakthrough Genomics
Classification: Benign. Review status: criteria provided, single submitter. Criteria: ACMG Guidelines, 2015. Collection method: not provided. Allele origin: germline. Inheritance: Autosomal dominant inheritance. Affected: yes.

NM_017841.4(SDHAF2):c.*415A>G

Gene: SDHAF2 (succinate dehydrogenase complex assembly factor 2; plus strand). Cytogenetic location: 11q12.2.
Variant type: single nucleotide variant.
Coding change: c.*415A>G on transcript NM_017841.4 (MANE Select); 415 bases downstream of the stop codon, A replaced by G.
Molecular consequence: 3 prime UTR variant.
Genome position (GRCh38, 1-based): chr11:61,446,486, A>G. VCF-style: chr11-61446486-A-G. GRCh37 (hg19) VCF-style: chr11-61213958-A-G.
Identifiers: ClinVar variation 305103 (VCV000305103.6), dbSNP rs61132686, ClinGen allele CA10639480.